The following is an entry in ClinVar:

ClinVar aggregate classification (germline): Uncertain significance (1 of 4 stars; one submission).

gnomAD v4.1: 16 of 1,604,740 alleles (0.001%); highest among the groups gnomAD compares: East Asian, 0.032%; no homozygotes.

Submission:

GeneDx
Classification: Uncertain significance. Last evaluated: 2025-10-28. Review status: criteria provided, single submitter. Criteria: GeneDx Variant Classification Process June 2021. Collection method: clinical testing. Allele origin: germline.
Comment: In silico analysis supports that this missense variant has a deleterious effect on protein structure/function; Identified in a patient with hearing loss who also harbored a benign variant, phase unknown, in the TRIOBP gene in published literature (PMID: 36597107); This variant is associated with the following publications: (PMID: 36597107)

NM_001039141.3(TRIOBP):c.3671C>T (p.Pro1224Leu)

Gene: TRIOBP (TRIO and F-actin binding protein; plus strand). Cytogenetic location: 22q13.1.
Variant type: single nucleotide variant.
Coding change: c.3671C>T on transcript NM_001039141.3 (MANE Select); coding-DNA position 3671, C replaced by T.
Protein change: p.Pro1224Leu; replaces proline 1224 with leucine.
Molecular consequence: missense variant.
Genome position (GRCh38, 1-based): chr22:37,726,227, C>T. VCF-style: chr22-37726227-C-T. GRCh37 (hg19) VCF-style: chr22-38122234-C-T.
Other names: short protein forms P1224L.
Identifiers: ClinVar variation 3381592 (VCV003381592.2).
Genomic context (GRCh38, chr22:37,726,227, plus strand): 5'-ACTCTCTGCATGGCTCCCCAGTGCTGATCCCCCAAGTGTGCATCGGGCACCGGGATGCAC[C>T]CCGAGCCTCCTCCCCACCCCGCCACCCACCCAGTGACCTAGCGTTCCTGGCACCCTCACC-3'
Protein context (NP_001034230.1, residues 1214-1234): PQVCIGHRDA[Pro1224Leu]RASSPPRHPP